The following is an entry in ClinVar:

NM_020365.5(EIF2B3):c.22A>T (p.Met8Leu)

Gene: EIF2B3 (eukaryotic translation initiation factor 2B subunit gamma; minus strand). Cytogenetic location: 1p34.1.
Variant type: single nucleotide variant.
Coding change: c.22A>T on transcript NM_020365.5 (MANE Select); coding-DNA position 22, A replaced by T.
Protein change: p.Met8Leu; replaces methionine 8 with leucine.
Molecular consequence: missense variant.
Genome position (GRCh38, 1-based): chr1:44,981,147, T>A on the plus strand (A>T on the coding strand, the complement: EIF2B3 is on the minus strand). VCF-style: chr1-44981147-T-A. GRCh37 (hg19) VCF-style: chr1-45446819-T-A.
Other names: c.22A>T, p.Met8Leu (NM_001166588.3, NM_001261418.2); short protein forms M8L.
Identifiers: ClinVar variation 1511865 (VCV001511865.6), dbSNP rs182877101, ClinGen allele CA824116.
Genomic context (GRCh38, chr1:44,981,147, plus strand): 5'-GCAGAGGTTTGGGAATGCTGGAAGTTAGGTCTGTCATCCGAGATCCTCCACCTACTGCCA[T>A]CACTACTGCTTGAAATTCCATTTTTACAAACTGCAAGTACAGAAAAAACAATTAACAGAA-3'
Protein context (NP_065098.1, residues 1-18): MEFQAVV[Met8Leu]AVGGGSRMTD

ClinVar aggregate classification (germline): Uncertain significance. Review status: criteria provided, multiple submitters, no conflicts (2 of 4 stars). 2 submissions from 2 submitters: Uncertain significance (2). Last evaluated 2023-12-18.

Allele frequency attached by ClinVar (database versions not stated): gnomAD exomes 0.00004 and 0.00011; gnomAD 0.00006 and 0.00007; TOPMed 0.00008; ExAC 0.00010; 1000 Genomes Project 0.00060; 1000 Genomes Project 30x 0.00062.
gnomAD v4.1: 68 of 1,612,850 alleles (0.0042%); highest among the groups gnomAD compares: East Asian, 0.14%; no homozygotes.

Submissions (2):

Women's Health and Genetics/Laboratory Corporation of America, LabCorp
Classification: Uncertain significance. Last evaluated: 2023-12-18. Review status: criteria provided, single submitter. Criteria: LabCorp Variant Classification Summary - May 2015. Collection method: clinical testing. Allele origin: germline.
Comment: Variant summary: EIF2B3 c.22A>T (p.Met8Leu) results in a conservative amino acid change located in the Nucleotidyl transferase domain of the encoded protein sequence. Four of five in-silico tools predict a benign effect of the variant on protein function. The variant allele was found at a frequency of 0.00011 in 251458 control chromosomes, predominantly at a frequency of 0.0015 within the East Asian subpopulation in the gnomAD database. The observed variant frequency within East Asian control individuals in the gnomAD database is approximately 4.74 fold of the estimated maximal expected allele frequency for a pathogenic variant in EIF2B3 causing Leukoencephalopathy With Vanishing White Matter phenotype (0.00032), suggesting that the variant may be a benign polymorphism. c.22A>T has been reported in the literature in an individual affected with Leukoencephalopathy With Vanishing White Matter (Xie_2019). These data do not allow any conclusion about variant significance. Experimental studies have shown the variant enhanced eIF2 phosphorylation without increase of total eIF2 and increased the level of expression of EGFP regulated by the upstream open reading frames (Xie_2019). The following publication have been ascertained in the context of this evaluation (PMID: 31885218). One submitter has cited clinical-significance assessments for this variant to ClinVar after 2014 and has classified the variant as uncertain significance. Based on the evidence outlined above, the variant was classified as uncertain significance.

Labcorp Genetics (formerly Invitae), Labcorp
Classification: Uncertain significance. Last evaluated: 2022-11-01. Review status: criteria provided, single submitter. Criteria: Invitae Variant Classification Sherloc (09022015). Collection method: clinical testing. Allele origin: germline.
Comment: This sequence change replaces methionine, which is neutral and non-polar, with leucine, which is neutral and non-polar, at codon 8 of the EIF2B3 protein (p.Met8Leu). This variant is present in population databases (rs182877101, gnomAD 0.1%). This missense change has been observed in individual(s) with leukoencephalopathy with vanishing white matter (PMID: 31885218). ClinVar contains an entry for this variant (Variation ID: 1511865). Advanced modeling of protein sequence and biophysical properties (such as structural, functional, and spatial information, amino acid conservation, physicochemical variation, residue mobility, and thermodynamic stability) performed at Invitae indicates that this missense variant is not expected to disrupt EIF2B3 protein function. Experimental studies have shown that this missense change affects EIF2B3 function (PMID: 31885218). In summary, the available evidence is currently insufficient to determine the role of this variant in disease. Therefore, it has been classified as a Variant of Uncertain Significance.

Literature cited by the submitters: PubMed 31885218 (cited by Women's Health and Genetics/Laboratory Corporation of America, LabCorp and Labcorp Genetics (formerly Invitae), Labcorp).